The following is an entry in ClinVar:

ClinVar aggregate classification (germline): Uncertain significance (1 of 4 stars; one submission).

Submission:

Women's Health and Genetics/Laboratory Corporation of America, LabCorp
Classification: Uncertain significance. Last evaluated: 2015-10-30. Review status: criteria provided, single submitter. Criteria: LabCorp Variant Classification Summary - May 2015. Collection method: clinical testing. Allele origin: germline.
Comment: Variant summary: This variant leads to duplication of exons 2, 3 and first 7 bps of exon 4 at cDNA level. The frequency of this variant in the general population could not be determined due to the technology used for large population databases (ExAC, ESP, 1000G) cannot detect duplications this large. This variant, to our knowledge, has not been reported in affected individuals via publications and/or reputable databases/clinical laboratories; nor evaluated for functional impact by in vivo/vitro studies. Because of the absence of clinical information and the lack of functional studies, the variant was classified as a variant of uncertain significance (VUS) until additional information becomes available.

NM_000465.3(BARD1):c.158+?_371dup

Genes: BARD1 (BRCA1 associated RING domain 1; minus strand), LOC129935542 (ATAC-STARR-seq lymphoblastoid active region 17072; plus strand), LOC129935543 (ATAC-STARR-seq lymphoblastoid active region 17073; plus strand). Cytogenetic location: 2q35.
Variant type: Duplication.
Coding change: c.158+?_371dup on transcript NM_000465.3.
Identifiers: ClinVar variation 495875 (VCV000495875.1).